The following is an entry in ClinVar:

NM_006420.3(ARFGEF2):c.4441A>G (p.Thr1481Ala)

Gene: ARFGEF2 (ARF guanine nucleotide exchange factor 2; plus strand). Cytogenetic location: 20q13.13.
Variant type: single nucleotide variant.
Coding change: c.4441A>G on transcript NM_006420.3 (MANE Select); coding-DNA position 4441, A replaced by G.
Protein change: p.Thr1481Ala; replaces threonine 1481 with alanine.
Molecular consequence: missense variant.
Genome position (GRCh38, 1-based): chr20:49,017,374, A>G. VCF-style: chr20-49017374-A-G. GRCh37 (hg19) VCF-style: chr20-47633911-A-G.
Other names: c.4441A>G (NM_006420.2); c.4438A>G, p.Thr1480Ala (NM_001410846.1); short protein forms T1480A, T1481A.
Identifiers: ClinVar variation 1964943 (VCV001964943.6), dbSNP rs776211361, ClinGen allele CA9899203.
Genomic context (GRCh38, chr20:49,017,374, plus strand): 5'-AAATTCAGTCCTGAAGTCTGGGATGAAACCTGCAACTGTATGTTGGATATTTTCAAAACA[A>G]CCATCCCACATGTGTAAGTGTTCATGCAGTTGTTCCCGTTTATCTCTGTGTTCAGTGGAT-3'
Protein context (NP_006411.2, residues 1471-1491): CNCMLDIFKT[Thr1481Ala]IPHVLLTWRP

ClinVar aggregate classification (germline): Uncertain significance. Review status: criteria provided, multiple submitters, no conflicts (2 of 4 stars). 2 submissions from 2 submitters: Uncertain significance (2). Last evaluated 2025-04-12.

Conditions:
Inborn genetic diseases. Identifiers: MedGen C0950123, MeSH D030342.

Allele frequency attached by ClinVar (database versions not stated): gnomAD 0.00001; TOPMed 0.00001; ExAC 0.00006.

Submissions (2):

Ambry Genetics
Classification: Uncertain significance for Inborn genetic diseases. Last evaluated: 2025-04-12. Review status: criteria provided, single submitter. Criteria: Ambry Variant Classification Scheme 2023. Collection method: clinical testing. Allele origin: germline.

Labcorp Genetics (formerly Invitae), Labcorp
Classification: Uncertain significance. Last evaluated: 2022-07-22. Review status: criteria provided, single submitter. Criteria: Invitae Variant Classification Sherloc (09022015). Collection method: clinical testing. Allele origin: germline.
Comment: In summary, the available evidence is currently insufficient to determine the role of this variant in disease. Therefore, it has been classified as a Variant of Uncertain Significance. Algorithms developed to predict the effect of missense changes on protein structure and function are either unavailable or do not agree on the potential impact of this missense change (SIFT: "Deleterious"; PolyPhen-2: "Benign"; Align-GVGD: "Class C55"). This variant has not been reported in the literature in individuals affected with ARFGEF2-related conditions. This variant is present in population databases (rs776211361, gnomAD 0.05%). This sequence change replaces threonine, which is neutral and polar, with alanine, which is neutral and non-polar, at codon 1481 of the ARFGEF2 protein (p.Thr1481Ala).